The following is an entry in ClinVar:

7q31.1-q31.2, 1.57 Mb deletion

Gene: FOXP2 (forkhead box P2; plus strand). Cytogenetic location: 7q31.1.
Variant type: Deletion.
Identifiers: ClinVar variation 242960 (VCV000242960.2).

ClinVar aggregate classification (germline): Pathogenic (0 of 4 stars; one submission).

Conditions:
Childhood apraxia of speech (SPCH1). Also called: Speech language disorder; DEVELOPMENTAL VERBAL DYSPRAXIA; SPEECH AND LANGUAGE DISORDER WITH OROFACIAL DYSPRAXIA; FOXP2-Related Speech and Language Disorder. Identifiers: Orphanet 209908, MedGen C0750927, MONDO:0011184, OMIM 602081.

Submission:

GeneReviews
Classification: Pathogenic for Childhood apraxia of speech. Last evaluated: 2016-03-02. Review status: no assertion criteria provided. Collection method: literature only. Allele origin: germline. Affected: yes. Observed: 2 variant alleles.
Comment: Speech: CAS & dysarthria Oromotor: Gagging & drooling Language: Severely impaired Cognition: Low average / Borderline IQ Other: Fine & gross motor planning difficulty, PDD-NOS

Literature cited by the submitters: PubMed 22144704.